The following is an entry in ClinVar:

NM_000260.4(MYO7A):c.5510T>C (p.Leu1837Pro)

Gene: MYO7A (myosin VIIA; plus strand). Cytogenetic location: 11q13.5.
Variant type: single nucleotide variant.
Coding change: c.5510T>C on transcript NM_000260.4 (MANE Select); coding-DNA position 5510, T replaced by C.
Protein change: p.Leu1837Pro; replaces leucine 1837 with proline.
Molecular consequence: missense variant.
Genome position (GRCh38, 1-based): chr11:77,205,491, T>C. VCF-style: chr11-77205491-T-C. GRCh37 (hg19) VCF-style: chr11-76916536-T-C.
Other names: c.5396T>C, p.Leu1799Pro (NM_001127180.2); c.5363T>C, p.Leu1788Pro (NM_001369365.1); short protein forms L1837P, L1799P, L1788P.
Identifiers: ClinVar variation 553592 (VCV000553592.18), dbSNP rs1385324903, ClinGen allele CA381952898.

ClinVar aggregate classification (germline): Conflicting classifications of pathogenicity. Review status: criteria provided, conflicting classifications (1 of 4 stars). 12 submissions from 11 submitters: Pathogenic (4); Likely pathogenic (5); Uncertain significance (1). 2 of the submissions do not count toward it. Last evaluated 2026-06-30.

Conditions:
MYO7A-related disorder. Also called: MYO7A-related disorders.
Usher syndrome type 1 (USH1). Also called: RETINITIS PIGMENTOSA AND CONGENITAL DEAFNESS. Identifiers: Orphanet 231169, Orphanet 886, MedGen C1568247, MONDO:0010168, OMIM 276900.
Autosomal recessive nonsyndromic hearing loss 2. Also called: DEAFNESS, AUTOSOMAL RECESSIVE 2; NEUROSENSORY NONSYNDROMIC RECESSIVE DEAFNESS 2. Identifiers: Orphanet 90636, MedGen C1838701, MONDO:0010807, OMIM 600060.
Usher syndrome. Also called: Usher Syndromes; Usher's syndrome. Identifiers: Orphanet 886, MedGen CN469326, MeSH D052245, MONDO:0019501. Disease mechanism: loss of function.
Autosomal dominant nonsyndromic hearing loss 11. Identifiers: Orphanet 90635, MedGen C1832475, MONDO:0011032, OMIM 601317.
Usher syndrome type 1B (USH1B). Also called: Usher syndrome type IB. Identifiers: MedGen C1848638, MONDO:0700087.

Allele frequency attached by ClinVar (database versions not stated): gnomAD exomes below 0.00001 and 0.00001; TOPMed 0.00001.
gnomAD v4.1: 3 of 1,589,530 alleles (0.00019%); highest among the groups gnomAD compares: Admixed American, 0.0035%; no homozygotes.

Submissions (12):

PreventionGenetics, part of Exact Sciences
Classification: Likely pathogenic for MYO7A-related condition. Last evaluated: 2026-06-30. Review status: criteria provided, single submitter. Criteria: ACMG Guidelines, 2015. Collection method: clinical testing. Allele origin: germline.
Comment: The MYO7A c.5510T>C variant is predicted to result in the amino acid substitution p.Leu1837Pro. This variant has been reported along with a second MYO7A variant in two individuals with Usher syndrome, one of which was reported to be compound heterozygous to a splice disrupting variant (Bahena et al. 2021. PubMed ID: 34148116; Table S3, Guan et al. 2021. PubMed ID: 34416374). This variant was also reported in two siblings with Usher syndrome in conjunction with a splice disrupting variant, although conclusive evidence of pathogenicity was not provided (described as L1799P, Jiang et al 2015. PubMed ID: 26338283). This variant is reported in 0.0065% of alleles in individuals of Latino descent in gnomAD. This variant is interpreted as likely pathogenic.

GeneDx
Classification: Uncertain significance. Last evaluated: 2026-03-05. Review status: criteria provided, single submitter. Criteria: GeneDx Variant Classification Process June 2021. Collection method: clinical testing. Allele origin: germline.
Comment: In silico analysis supports that this missense variant has a deleterious effect on protein structure/function; Also known as L1799P; This variant is associated with the following publications: (PMID: 31964843, 26338283, 34416374, 27610647, 36633841, 34148116, 29625443)

Labcorp Genetics (formerly Invitae), Labcorp
Classification: Pathogenic. Last evaluated: 2026-01-24. Review status: criteria provided, single submitter. Criteria: Invitae Variant Classification Sherloc (09022015). Collection method: clinical testing. Allele origin: germline.
Comment: This sequence change replaces leucine, which is neutral and non-polar, with proline, which is neutral and non-polar, at codon 1837 of the MYO7A protein (p.Leu1837Pro). This variant is present in population databases (no rsID available, gnomAD 0.007%). This missense change has been observed in individuals with autosomal recessive MYO7A-related conditions (PMID: 26338283, 27610647, 29625443). It has also been observed to segregate with disease in related individuals. ClinVar contains an entry for this variant (Variation ID: 553592). Invitae Evidence Modeling of protein sequence and biophysical properties (such as structural, functional, and spatial information, amino acid conservation, physicochemical variation, residue mobility, and thermodynamic stability) indicates that this missense variant is expected to disrupt MYO7A protein function with a positive predictive value of 95%. This variant disrupts the p.Leu1837 amino acid residue in MYO7A. Other variant(s) that disrupt this residue have been observed in individuals with MYO7A-related conditions (PMID: 27460420), which suggests that this may be a clinically significant amino acid residue. For these reasons, this variant has been classified as Pathogenic.

Women's Health and Genetics/Laboratory Corporation of America, LabCorp
Classification: Pathogenic for Usher syndrome. Last evaluated: 2025-04-02. Review status: criteria provided, single submitter. Criteria: LabCorp Variant Classification Summary - May 2015. Collection method: clinical testing. Allele origin: germline.
Comment: Variant summary: MYO7A c.5510T>C (p.Leu1837Pro) results in a non-conservative amino acid change in the encoded protein sequence. Five of five in-silico tools predict a damaging effect of the variant on protein function. The variant allele was found at a frequency of 9.5e-06 in 210262 control chromosomes. c.5510T>C has been reported in the literature in multiple individuals affected with Usher Syndrome or hearing loss (e.g., Jiang_2015, Chen_2016, Sun_2018, Bahena_2022, Carlson_2023). These data indicate that the variant is likely to be associated with disease. Additionally, other variants at the Leu1837 residue have been reported as associated with disease (p.Leu1837His), suggesting that this codon is functionally important. To our knowledge, no experimental evidence demonstrating an impact on protein function has been reported. ClinVar contains an entry for this variant (Variation ID: 553592). While this variant has been reported in the literature, the clinical significance of the variant for autosomal dominant nonsyndromic hearing loss could not be established. Based on the evidence outlined above, this variant is pathogenic for autosomal recessive Usher syndrome.

3billion
Classification: Pathogenic for Autosomal recessive nonsyndromic hearing loss 2. Last evaluated: 2024-12-13. Review status: criteria provided, single submitter. Criteria: ACMG Guidelines, 2015. Collection method: clinical testing. Allele origin: germline. Affected: yes.
Comment: The variant is observed at an extremely low frequency in the gnomAD v4.1.0 dataset (total allele frequency: <0.001%). Predicted Consequence/Location: Missense variant In silico tool predictions suggest damaging effect of the variant on gene or gene product [REVEL: 0.98 (>=0.6, sensitivity 0.68 and specificity 0.92); 3Cnet: 0.92 (>=0.6, sensitivity 0.72 and precision 0.9)]. The same nucleotide change resulting in the same amino acid change has been previously reported as pathogenic/likely pathogenic with strong evidence (ClinVar ID: VCV000553592 /PMID: 26338283 /3billion dataset). The variant has been reported to be in trans with a pathogenic variant as either compound heterozygous or homozygous in at least one similarly affected unrelated individual (PMID: 26338283). A different missense change at the same codon (p.Leu1837His) has been reported as pathogenic/likely pathogenic with strong evidence (ClinVar ID: VCV001457981 /PMID: 27460420). Therefore, this variant is classified as Pathogenic according to the recommendation of ACMG/AMP guideline.

Natera, Inc.
Classification: Likely pathogenic for Usher syndrome type 1B. Last evaluated: 2024-10-07. Review status: criteria provided, single submitter. Criteria: Natera Variant Classification Schema (03/2026). Collection method: clinical testing. Allele origin: germline.
Comment: The c.5510T>C variant in MYO7A is a missense variant predicted to cause substitution of leucine to proline at amino acid 1837. This variant is rare in the general population with a frequency below the threshold expected for the associated phenotype(s). This variant has been observed in one or more individuals affected with the associated recessive disease, as either homozygous or compound heterozygous with a second variant (PMID: 34148116, 34416374). A different variant at the same position has been determined to be Pathogenic or Likely Pathogenic. Computational prediction algorithms indicate this variant is likely to affect gene or protein function. Given the available evidence, this variant is classified as Likely Pathogenic.

King Laboratory, University of Washington
Classification: Likely pathogenic for Usher syndrome type 1. Last evaluated: 2023-02-28. Review status: criteria provided, single submitter. Criteria: Li et al. (Genet Med. 2022). Collection method: research. Allele origin: unknown. Affected: yes.
Comment: This variant occurred in compound heterozygosity with a likely pathogenic MYO7A missense variant in a patient with Usher syndrome including bilateral sensorineural hearing loss of onset <18 years, in a study of pediatric hearing loss conducted by the King Laboratory (Carlson RJ et al. JAMA-OtoHNS 2023). This variant is a missense at a highly conserved site in a MyTH4 domain of the MYO7A protein and is predicted to be damaging by multiple in-silico tools. As of January 2023, this variant has been reported to ClinVar with conflicting interpretations and is found in 2 heterozygotes on gnomAD. Based on consistently predicted functional effect, compound heterozygosity with a known likely pathogenic variant, and goodness of fit of genotype to phenotype, we conclude that this variant is likely pathogenic.

Blueprint Genetics
Classification: Pathogenic for MYO7A-related disorders. Last evaluated: 2021-11-26. Review status: criteria provided, single submitter. Criteria: ACMG Guidelines, 2015. Collection method: clinical testing. Allele origin: germline. Affected: yes. Observed: 2 variant alleles.

Baylor Genetics
Classification: Likely pathogenic for Autosomal recessive nonsyndromic hearing loss 2. Review status: criteria provided, single submitter. Criteria: ACMG Guidelines, 2015. Collection method: clinical testing. Allele origin: unknown.

Juno Genomics, Hangzhou Juno Genomics, Inc
Classification: Likely pathogenic for Autosomal recessive nonsyndromic hearing loss 2; Usher syndrome type 1. Review status: criteria provided, single submitter. Criteria: ACMG Guidelines, 2015. Collection method: clinical testing. Allele origin: germline. Affected: yes.
Comment: Absent from controls (or at extremely low frequency if recessive) in Genome Aggregation Database, Exome Sequencing Project, 1000 Genomes Project, or Exome Aggregation Consortium.;For recessive disorders, detected in trans with a pathogenic variant.;Multiple lines of computational evidence support a deleterious effect on the gene or gene product (conservation, evolutionary, splicing impact, etc).

Baylor Genetics
Classification: Uncertain significance for Autosomal dominant nonsyndromic hearing loss 11. Last evaluated: 2018-08-22. Review status: flagged submission. Criteria: ACMG Guidelines, 2015. Collection method: clinical testing. Allele origin: paternal. Affected: yes. Not counted in ClinVar's aggregate classification.
Comment: This variant was determined to be of uncertain significance according to ACMG Guidelines, 2015 [PMID:25741868].
ClinVar note: Reason: Unnecessary conflicting claim for distinct condition when other classifications are more relevant

Counsyl
Classification: Uncertain significance for Usher syndrome type 1; Autosomal recessive nonsyndromic hearing loss 2. Last evaluated: 2017-08-30. Review status: flagged submission. Collection method: clinical testing. Allele origin: unknown. Not counted in ClinVar's aggregate classification.
ClinVar note: Reason: Older and outlier claim with insufficient supporting evidence

Literature cited by the submitters: PubMed 26338283 (cited by 4 submitters); PubMed 27610647 (cited by 3 submitters); PubMed 29625443 (cited by Labcorp Genetics (formerly Invitae), Labcorp and Women's Health and Genetics/Laboratory Corporation of America, LabCorp); PubMed 27460420 (cited by Labcorp Genetics (formerly Invitae), Labcorp and 3billion); PubMed 34148116 (cited by Women's Health and Genetics/Laboratory Corporation of America, LabCorp and Natera, Inc.); PubMed 36633841 (cited by Women's Health and Genetics/Laboratory Corporation of America, LabCorp and King Laboratory, University of Washington); PubMed 34416374 (cited by Natera, Inc.).